The following is an entry in ClinVar:

NM_000195.5(HPS1):c.1329G>T (p.Glu443Asp)

Gene: HPS1 (HPS1 biogenesis of lysosomal organelles complex 3 subunit 1; minus strand). Cytogenetic location: 10q24.2.
Variant type: single nucleotide variant.
Coding change: c.1329G>T on transcript NM_000195.5 (MANE Select); coding-DNA position 1329, G replaced by T.
Protein change: p.Glu443Asp; replaces glutamic acid 443 with aspartic acid.
Molecular consequence: missense variant.
Genome position (GRCh38, 1-based): chr10:98,425,547, C>A on the plus strand (G>T on the coding strand, the complement: HPS1 is on the minus strand). VCF-style: chr10-98425547-C-A. GRCh37 (hg19) VCF-style: chr10-100185304-C-A.
Other names: c.357G>T, p.Glu119Asp (NM_001311345.2, NM_001322487.2, NM_001322489.2); c.1329G>T, p.Glu443Asp (NM_001322476.2, NM_001322477.2); c.1230G>T, p.Glu410Asp (NM_001322478.2, NM_001322479.2); c.1068G>T, p.Glu356Asp (NM_001322480.2, NM_001322481.2); c.969G>T, p.Glu323Asp (NM_001322482.2); c.960G>T, p.Glu320Asp (NM_001322483.2, NM_001322484.2); c.861G>T, p.Glu287Asp (NM_001322485.2); short protein forms E119D, E287D, E323D, E410D, E320D, E356D, E443D.
Identifiers: ClinVar variation 1365074 (VCV001365074.5), dbSNP rs1284302709, ClinGen allele CA378047580.

ClinVar aggregate classification (germline): Uncertain significance (1 of 4 stars; one submission).

Allele frequency attached by ClinVar (database versions not stated): gnomAD exomes below 0.00001 and 0.00001; TOPMed 0.00001.
gnomAD v4.1: 2 of 1,610,398 alleles (0.00012%); highest among the groups gnomAD compares: East Asian, 0.0022%; no homozygotes.

Submission:

Labcorp Genetics (formerly Invitae), Labcorp
Classification: Uncertain significance. Last evaluated: 2021-09-17. Review status: criteria provided, single submitter. Criteria: Invitae Variant Classification Sherloc (09022015). Collection method: clinical testing. Allele origin: germline.
Comment: This sequence change replaces glutamic acid with aspartic acid at codon 443 of the HPS1 protein (p.Glu443Asp). The glutamic acid residue is moderately conserved and there is a small physicochemical difference between glutamic acid and aspartic acid. This variant is not present in population databases (ExAC no frequency). This variant has not been reported in the literature in individuals with HPS1-related conditions. Algorithms developed to predict the effect of missense changes on protein structure and function output the following: SIFT: "Tolerated"; PolyPhen-2: "Benign"; Align-GVGD: "Class C0". The aspartic acid amino acid residue is found in multiple mammalian species, suggesting that this missense change does not adversely affect protein function. These predictions have not been confirmed by published functional studies and their clinical significance is uncertain. In summary, the available evidence is currently insufficient to determine the role of this variant in disease. Therefore, it has been classified as a Variant of Uncertain Significance.